The following is an entry in ClinVar:

NM_001458.5(FLNC):c.956G>T (p.Gly319Val)

Gene: FLNC (filamin C; plus strand). Cytogenetic location: 7q32.1.
Variant type: single nucleotide variant.
Coding change: c.956G>T on transcript NM_001458.5 (MANE Select); coding-DNA position 956, G replaced by T.
Protein change: p.Gly319Val; replaces glycine 319 with valine.
Molecular consequence: missense variant.
Genome position (GRCh38, 1-based): chr7:128,837,742, G>T. VCF-style: chr7-128837742-G-T. GRCh37 (hg19) VCF-style: chr7-128477796-G-T.
Other names: c.956G>T, p.Gly319Val (NM_001127487.2); short protein forms G319V.
Identifiers: ClinVar variation 3221760 (VCV003221760.3), dbSNP rs2128934256, ClinGen allele CA369223255.

ClinVar aggregate classification (germline): Uncertain significance. Review status: criteria provided, multiple submitters, no conflicts (2 of 4 stars). 2 submissions from 2 submitters: Uncertain significance (2). Last evaluated 2025-09-24.

Conditions:
Distal myopathy with posterior leg and anterior hand involvement. Also called: WILLIAMS DISTAL MYOPATHY. Identifiers: Orphanet 63273, MedGen C3279722, MONDO:0013550, OMIM 614065.
Hypertrophic cardiomyopathy 26. Also called: Cardiomyopathy, familial hypertrophic, 26. Identifiers: Orphanet 75249, MedGen C4310749, MONDO:0014883, OMIM 617047.
Myofibrillar myopathy 5. Also called: FILAMINOPATHY, AUTOSOMAL DOMINANT; Filaminopathy (type). Identifiers: Orphanet 171445, MedGen C1836050, MONDO:0012289, OMIM 609524.
Cardiovascular phenotype. Identifiers: MedGen CN230736.

gnomAD v4.1: 1 of 1,581,986 alleles (0.000063%); highest among the groups gnomAD compares: South Asian, 0.0011%; no homozygotes.

Submissions (2):

Labcorp Genetics (formerly Invitae), Labcorp
Classification: Uncertain significance for Distal myopathy with posterior leg and anterior hand involvement; Myofibrillar myopathy 5; Hypertrophic cardiomyopathy 26. Last evaluated: 2025-09-24. Review status: criteria provided, single submitter. Criteria: Invitae Variant Classification Sherloc (09022015). Collection method: clinical testing. Allele origin: germline.
Comment: This sequence change replaces glycine, which is neutral and non-polar, with valine, which is neutral and non-polar, at codon 319 of the FLNC protein (p.Gly319Val). This variant is not present in population databases (gnomAD no frequency). This variant has not been reported in the literature in individuals affected with FLNC-related conditions. ClinVar contains an entry for this variant (Variation ID: 3221760). Invitae Evidence Modeling of protein sequence and biophysical properties (such as structural, functional, and spatial information, amino acid conservation, physicochemical variation, residue mobility, and thermodynamic stability) has been performed for this missense variant. However, the output from this modeling did not meet the statistical confidence thresholds required to predict the impact of this variant on FLNC protein function. In summary, the available evidence is currently insufficient to determine the role of this variant in disease. Therefore, it has been classified as a Variant of Uncertain Significance.

Ambry Genetics
Classification: Uncertain significance for Cardiovascular phenotype. Last evaluated: 2023-10-02. Review status: criteria provided, single submitter. Criteria: Ambry Variant Classification Scheme 2023. Collection method: clinical testing. Allele origin: germline.
Comment: The p.G319V variant (also known as c.956G>T), located in coding exon 5 of the FLNC gene, results from a G to T substitution at nucleotide position 956. The glycine at codon 319 is replaced by valine, an amino acid with dissimilar properties. This amino acid position is conserved. In addition, this alteration is predicted to be deleterious by in silico analysis. Since supporting evidence is limited at this time, the clinical significance of this alteration remains unclear.